The following is an entry in ClinVar:

ClinVar aggregate classification (germline): Likely benign. Review status: criteria provided, multiple submitters, no conflicts (2 of 4 stars). 3 submissions from 3 submitters: Likely benign (3). Last evaluated 2026-07-20.

Conditions:
CHD7-related disorder. Also called: CHD7-related condition.
CHARGE syndrome (CHARGE). Also called: Coloboma, heart anomaly, choanal atresia, retardation, genital and ear anomalies; CHARGE association; Hall-Hittner syndrome; Hittner Hirsch Kreh syndrome; CHARGE ASSOCIATION--COLOBOMA, HEART ANOMALY, CHOANAL ATRESIA, RETARDATION, GENITAL AND EAR ANOMALIES. Identifiers: Orphanet 138, MedGen C0265354, MONDO:0008965.
Hypogonadotropic hypogonadism 5 with or without anosmia (KAL5). Also called: HYPOGONADOTROPIC HYPOGONADISM 5 WITH ANOSMIA; HYPOGONADOTROPHIC HYPOGONADISM 5 WITHOUT ANOSMIA; CHD7-Related GnRH Deficiency (Kallmann Syndrome 5). Identifiers: Orphanet 478, MedGen C3552553, MONDO:0012880, OMIM 612370. Disease mechanism: loss of function.

Allele frequency attached by ClinVar (database versions not stated): gnomAD exomes below 0.00001.
gnomAD v4.1: 8 of 1,608,266 alleles (0.0005%); highest among the groups gnomAD compares: South Asian, 0.0033%; no homozygotes.

Submissions (3):

PreventionGenetics, part of Exact Sciences
Classification: Likely benign for CHD7-related condition. Last evaluated: 2026-07-20. Review status: criteria provided, single submitter. Criteria: ACMG Guidelines, 2015. Collection method: clinical testing. Allele origin: germline.
Comment: This variant is classified as likely benign based on ACMG/AMP sequence variant interpretation guidelines (Richards et al. 2015 PMID: 25741868, with internal and published modifications).

Labcorp Genetics (formerly Invitae), Labcorp
Classification: Likely benign for CHARGE syndrome. Last evaluated: 2025-10-29. Review status: criteria provided, single submitter. Criteria: Invitae Variant Classification Sherloc (09022015). Collection method: clinical testing. Allele origin: germline.

Fulgent Genetics
Classification: Likely benign for CHD7-related CHARGE syndrome; Hypogonadotropic hypogonadism 5 with or without anosmia. Last evaluated: 2022-05-05. Review status: criteria provided, single submitter. Criteria: ACMG Guidelines, 2015. Collection method: clinical testing. Allele origin: unknown.

NM_017780.4(CHD7):c.4170C>T (p.Pro1390=)

Gene: CHD7 (chromodomain helicase DNA binding protein 7; plus strand). Cytogenetic location: 8q12.2.
Variant type: single nucleotide variant.
Coding change: c.4170C>T on transcript NM_017780.4 (MANE Select); coding-DNA position 4170, C replaced by T.
Protein change: p.Pro1390=; no amino-acid change (proline 1390 retained).
Molecular consequence: synonymous variant. On other transcripts: intron variant (1).
Genome position (GRCh38, 1-based): chr8:60,836,997, C>T. VCF-style: chr8-60836997-C-T. GRCh37 (hg19) VCF-style: chr8-61749556-C-T.
Other names: c.1717-25232C>T (NM_001316690.1); c.4170C>T (NM_017780.3).
Identifiers: ClinVar variation 1663919 (VCV001663919.10), dbSNP rs907362259, ClinGen allele CA177344168.